The following is an entry in ClinVar:

NM_000426.4(LAMA2):c.3174+240A>G

Gene: LAMA2 (laminin subunit alpha 2; plus strand). Cytogenetic location: 6q22.33.
Variant type: single nucleotide variant.
Coding change: c.3174+240A>G on transcript NM_000426.4 (MANE Select); 240 bases into the intron after coding-DNA position 3174, A replaced by G.
Molecular consequence: intron variant.
Genome position (GRCh38, 1-based): chr6:129,301,112, A>G. VCF-style: chr6-129301112-A-G. GRCh37 (hg19) VCF-style: chr6-129622257-A-G.
Other names: c.3174+240A>G (NM_001079823.2).
Identifiers: ClinVar variation 682916 (VCV000682916.1), dbSNP rs3798664, ClinGen allele CA146903278.

ClinVar aggregate classification (germline): Benign (1 of 4 stars; one submission).

Allele frequency attached by ClinVar (database versions not stated): 1000 Genomes Project 30x 0.29809; 1000 Genomes Project 0.30371; TOPMed 0.33097; gnomAD 0.33929 and 0.34242.
gnomAD v4.1: 52,303 of 151,944 alleles (34%); highest among the groups gnomAD compares: Non-Finnish European, 45%; 10,581 homozygotes.

Submission:

GeneDx
Classification: Benign. Last evaluated: 2018-06-19. Review status: criteria provided, single submitter. Criteria: GeneDx Variant Classification (06012015). Collection method: clinical testing. Allele origin: germline. Affected: yes.
Comment: This variant is considered likely benign or benign based on one or more of the following criteria: it is a conservative change, it occurs at a poorly conserved position in the protein, it is predicted to be benign by multiple in silico algorithms, and/or has population frequency not consistent with disease.